The following is an entry in ClinVar:

ClinVar aggregate classification (germline): Uncertain significance. Review status: criteria provided, multiple submitters, no conflicts (2 of 4 stars). 5 submissions from 5 submitters: Uncertain significance (4). 1 of the submissions does not count toward it. Last evaluated 2024-01-05.

Conditions:
Cardiovascular phenotype. Identifiers: MedGen CN230736.
Alstrom syndrome (ALMS). Identifiers: Orphanet 64, MedGen C0268425, MONDO:0008763, OMIM 203800.

Allele frequency attached by ClinVar (database versions not stated): ExAC 0.00001; gnomAD exomes 0.00002 and 0.00005; TOPMed 0.00002; gnomAD 0.00003 and 0.00004.
gnomAD v4.1: 72 of 1,613,500 alleles (0.0045%); highest among the groups gnomAD compares: African/African-American, 0.0067%; no homozygotes.

Submissions (5):

Labcorp Genetics (formerly Invitae), Labcorp
Classification: Uncertain significance for Alstrom syndrome. Last evaluated: 2024-01-05. Review status: criteria provided, single submitter. Criteria: Invitae Variant Classification Sherloc (09022015). Collection method: clinical testing. Allele origin: germline.
Comment: This sequence change replaces isoleucine, which is neutral and non-polar, with valine, which is neutral and non-polar, at codon 3766 of the ALMS1 protein (p.Ile3766Val). This variant is present in population databases (rs758062371, gnomAD 0.008%). This variant has not been reported in the literature in individuals affected with ALMS1-related conditions. ClinVar contains an entry for this variant (Variation ID: 1189883). Experimental studies and prediction algorithms are not available or were not evaluated, and the functional significance of this variant is currently unknown. In summary, the available evidence is currently insufficient to determine the role of this variant in disease. Therefore, it has been classified as a Variant of Uncertain Significance.

Fulgent Genetics
Classification: Uncertain significance for Alstrom syndrome. Last evaluated: 2021-11-02. Review status: criteria provided, single submitter. Criteria: ACMG Guidelines, 2015. Collection method: clinical testing. Allele origin: unknown.

Ambry Genetics
Classification: Uncertain significance for Cardiovascular phenotype. Last evaluated: 2021-06-01. Review status: criteria provided, single submitter. Criteria: Ambry Variant Classification Scheme 2023. Collection method: clinical testing. Allele origin: germline.
Comment: The p.I3766V variant (also known as c.11296A>G), located in coding exon 16 of the ALMS1 gene, results from an A to G substitution at nucleotide position 11296. The isoleucine at codon 3766 is replaced by valine, an amino acid with highly similar properties. This amino acid position is not well conserved in available vertebrate species, and valine is the reference amino acid in other vertebrate species. In addition, this alteration is predicted to be tolerated by in silico analysis. Since supporting evidence is limited at this time, the clinical significance of this alteration remains unclear.

GeneDx
Classification: Uncertain significance. Last evaluated: 2021-04-06. Review status: criteria provided, single submitter. Criteria: GeneDx Variant Classification Process June 2021. Collection method: clinical testing. Allele origin: germline. Affected: yes.
Comment: Not observed at a significant frequency in large population cohorts (Lek et al., 2016); Has not been previously published as pathogenic or benign to our knowledge

Natera, Inc.
Classification: Uncertain significance for Alstrom syndrome. Last evaluated: 2021-09-16. Review status: no assertion criteria provided. Collection method: clinical testing. Allele origin: germline. Not counted in ClinVar's aggregate classification.

NM_001378454.1(ALMS1):c.11293A>G (p.Ile3765Val)

Gene: ALMS1 (ALMS1 centrosome and basal body associated protein; plus strand). Cytogenetic location: 2p13.1.
Variant type: single nucleotide variant.
Coding change: c.11293A>G on transcript NM_001378454.1 (MANE Select); coding-DNA position 11293, A replaced by G.
Protein change: p.Ile3765Val; replaces isoleucine 3765 with valine.
Molecular consequence: missense variant.
Genome position (GRCh38, 1-based): chr2:73,573,170, A>G. VCF-style: chr2-73573170-A-G. GRCh37 (hg19) VCF-style: chr2-73800297-A-G.
Other names: c.11296A>G, p.Ile3766Val (NM_015120.4); short protein forms I3765V, I3766V.
Identifiers: ClinVar variation 1189883 (VCV001189883.9), dbSNP rs758062371, ClinGen allele CA1715156.